The following is an entry in ClinVar:

ClinVar aggregate classification (germline): Uncertain significance (1 of 4 stars; one submission).

Submission:

ISCA Site 6
Classification: Uncertain significance. Last evaluated: 2011-08-12. Review status: criteria provided, single submitter. Criteria: Kaminsky et al. (Genet Med. 2011). Collection method: clinical testing. Allele origin: unknown. Affected: yes. Observed: 1 variant allele.
Comment: Copy number variation identified through the course of routine clinical cytogenomic testing in postnatal populations. Clinical assertions have been curated as described in Kaminsky et al. 2011.

GRCh38/hg38 15q11.2(chr15:22750921-23066575)x1

Genes: CYFIP1 (cytoplasmic FMR1 interacting protein 1; minus strand), NIPA1 (NIPA magnesium transporter 1; plus strand), NIPA2 (NIPA magnesium transporter 2; plus strand), TUBGCP5 (tubulin gamma complex component 5; minus strand), LOC112272575 (Sharpr-MPRA regulatory region 8478; plus strand) and 14 more. Cytogenetic location: 15q11.2.
Variant type: copy number loss.
Change: copy number 1 (one copy instead of two) of chr15:22,750,921-23,066,575 (315.7 kb, GRCh38 coordinates, 1-based), cytogenetic band 15q11.2.
Identifiers: ClinVar variation 57532 (VCV000057532.2).